The following is an entry in ClinVar:

NM_001379081.2(FREM1):c.4692A>G (p.Gln1564=)

Gene: FREM1 (FRAS1 related extracellular matrix 1; minus strand). Cytogenetic location: 9p22.3.
Variant type: single nucleotide variant.
Coding change: c.4692A>G on transcript NM_001379081.2 (MANE Select); coding-DNA position 4692, A replaced by G.
Protein change: p.Gln1564=; no amino-acid change (glutamine 1564 retained).
Molecular consequence: synonymous variant. On other transcripts: non-coding transcript variant (2).
Genome position (GRCh38, 1-based): chr9:14,775,954, T>C on the plus strand (A>G on the coding strand, the complement: FREM1 is on the minus strand). VCF-style: chr9-14775954-T-C. GRCh37 (hg19) VCF-style: chr9-14775952-T-C.
Other names: c.300A>G, p.Gln100= (NM_001177704.3, NM_001370058.2, NM_001370061.2); c.4692A>G, p.Gln1564= (NM_144966.7); c.4692A>G (NM_144966.5).
Identifiers: ClinVar variation 2919897 (VCV002919897.5), dbSNP rs201647039, ClinGen allele CA4990094.
Genomic context (GRCh38, chr9:14,775,954, plus strand): 5'-CCCTCCTGAGTGCCGATAGGCCACATTCTTGCTGTCCACATCCTGCTGGGTGAAATTGTG[T>C]TGAAGTAGCCCTGTCCCCCACAGGTAGAGCTGGCCATGCTGGGGGAGCTGAACCAAGAGG-3'
Protein context (NP_001366010.1, residues 1554-1574): QLYLWGTGLL[Gln1564=]HNFTQQDVDS

ClinVar aggregate classification (germline): Likely benign. Review status: criteria provided, multiple submitters, no conflicts (2 of 4 stars). 3 submissions from 3 submitters: Likely benign (2). 1 of the submissions does not count toward it. Last evaluated 2025-03-07.

Conditions:
FREM1-related disorder. Also called: FREM1-Related Disorders; FREM1-related condition.

Allele frequency attached by ClinVar (database versions not stated): gnomAD 0.00015; TOPMed 0.00019; 1000 Genomes Project 0.00040; 1000 Genomes Project 30x 0.00062.
gnomAD v4.1: 130 of 1,613,954 alleles (0.0081%); highest among the groups gnomAD compares: Admixed American, 0.03%; no homozygotes.

Submissions (3):

Labcorp Genetics (formerly Invitae), Labcorp
Classification: Likely benign. Last evaluated: 2025-03-07. Review status: criteria provided, single submitter. Criteria: Invitae Variant Classification Sherloc (09022015). Collection method: clinical testing. Allele origin: germline.

Blueprint Genetics
Classification: Likely benign. Last evaluated: 2024-10-31. Review status: criteria provided, single submitter. Criteria: ACMG Guidelines, 2015. Collection method: clinical testing. Allele origin: germline.

PreventionGenetics, part of Exact Sciences
Classification: Likely benign for FREM1-related condition. Last evaluated: 2024-06-06. Review status: no assertion criteria provided. Collection method: clinical testing. Allele origin: germline. Not counted in ClinVar's aggregate classification.
Comment: This variant is classified as likely benign based on ACMG/AMP sequence variant interpretation guidelines (Richards et al. 2015 PMID: 25741868, with internal and published modifications).